The following is an entry in ClinVar:

ClinVar aggregate classification (germline): Uncertain significance. Review status: criteria provided, multiple submitters, no conflicts (2 of 4 stars). 2 submissions from 2 submitters: Uncertain significance (2). Last evaluated 2021-09-21.

Conditions:
Developmental and epileptic encephalopathy 94 (DEE94). Also called: Epileptic encephalopathy, childhood-onset; CHD2-Related Neurodevelopmental Disorders. Identifiers: Orphanet 1942, Orphanet 2382, MedGen C3809278, MONDO:0014150, OMIM 615369.

Allele frequency attached by ClinVar (database versions not stated): gnomAD exomes below 0.00001 and 0.00002.

Submissions (2):

Women's Health and Genetics/Laboratory Corporation of America, LabCorp
Classification: Uncertain significance. Last evaluated: 2021-09-21. Review status: criteria provided, single submitter. Criteria: LabCorp Variant Classification Summary - May 2015. Collection method: clinical testing. Allele origin: germline.
Comment: Variant summary: CHD2 c.856A>G (p.Ile286Val) results in a conservative amino acid change located in the Chromo/chromo shadow domain (IPR000953) of the encoded protein sequence. Five of five in-silico tools predict a benign effect of the variant on protein function. The variant allele was found at a frequency of 4e-06 in 250718 control chromosomes (gnomAD). The available data on variant occurrences in the general population are insufficient to allow any conclusion about variant significance. To our knowledge, no occurrence of c.856A>G in individuals affected with Developmental And Epileptic Encephalopathy 94 and no experimental evidence demonstrating its impact on protein function have been reported. One ClinVar submitter (evaluation after 2014) cites the variant as uncertain significance. Based on the evidence outlined above, the variant was classified as uncertain significance.

Labcorp Genetics (formerly Invitae), Labcorp
Classification: Uncertain significance for Developmental and epileptic encephalopathy 94. Last evaluated: 2021-09-02. Review status: criteria provided, single submitter. Criteria: Invitae Variant Classification Sherloc (09022015). Collection method: clinical testing. Allele origin: germline.

NM_001271.4(CHD2):c.856A>G (p.Ile286Val)

Gene: CHD2 (chromodomain helicase DNA binding protein 2; plus strand). Cytogenetic location: 15q26.1.
Variant type: single nucleotide variant.
Coding change: c.856A>G on transcript NM_001271.4 (MANE Select); coding-DNA position 856, A replaced by G.
Protein change: p.Ile286Val; replaces isoleucine 286 with valine.
Molecular consequence: missense variant.
Genome position (GRCh38, 1-based): chr15:92,942,872, A>G. VCF-style: chr15-92942872-A-G. GRCh37 (hg19) VCF-style: chr15-93486102-A-G.
Other names: c.856A>G, p.Ile286Val (NM_001042572.3); short protein forms I286V.
Identifiers: ClinVar variation 959229 (VCV000959229.6), dbSNP rs1457822140, ClinGen allele CA393901381.